The following is an entry in ClinVar:

ClinVar aggregate classification (germline): Likely pathogenic (1 of 4 stars; one submission).

Conditions:
Hypertrophic cardiomyopathy 4. Also called: Familial hypertrophic cardiomyopathy 4. Identifiers: MedGen C1861862, MONDO:0007268, OMIM 115197.

Submission:

Victorian Clinical Genetics Services, Murdoch Childrens Research Institute
Classification: Likely pathogenic for Hypertrophic cardiomyopathy 4. Last evaluated: 2020-06-11. Review status: criteria provided, single submitter. Criteria: ACMG Guidelines, 2015. Collection method: clinical testing. Allele origin: germline.
Comment: Based on the classification scheme VCGS_Germline_v1.1.1, this variant is classified as likely pathogenic. Following criteria are met: 0102 - Loss-of-function is a known mechanism of disease for this gene. (N) 0108 - This gene is known to be associated with both recessive and dominant disease. Recessive disease can be caused by both PTCs and missense, where carriers are generally unaffected. This is mostly associated with malignant hypertrophic cardiomyopathy phenotype (OMIM). (N) 0112 - Variants in this gene are known to have reduced penetrance (OMIM). (N) 0201 - Variant is predicted to cause nonsense-mediated decay (NMD) and loss of protein (exon 24 of 35). (P) 0251 - Variant is heterozygous. (N) 0301 - Variant is absent from gnomAD. (P) 0701 - Comparable variants also predicted to result in NMD, have very strong previous evidence for pathogenicity in patients with hypertrophic cardiomyopathy (Decipher, PMID: 25740977). (P) 0807 - Variant has not previously been reported in a clinical context. (N) 0905 - No segregation evidence has been identified for this variant. (N) 1007 - No published functional evidence has been identified for this variant. (N) 1208 - Inheritance information for this variant is not currently available. (N) Legend: (P) - Pathogenic, (N) - Neutral, (B) - Benign

Literature cited by the submitters: PubMed 25740977.

NM_000256.3(MYBPC3):c.2362dup (p.Cys788fs)

Gene: MYBPC3 (myosin binding protein C3; minus strand). Cytogenetic location: 11p11.2.
Variant type: Duplication.
Coding change: c.2362dup on transcript NM_000256.3 (MANE Select); coding-DNA position 2362, one base duplicated (T; older notation c.2362dupT).
Protein change: p.Cys788fs; shifts the reading frame from cysteine 788.
Molecular consequence: frameshift variant.
Genome position (GRCh38, 1-based): chr11:47,337,741, A duplicated on the plus strand (T on the coding strand, the reverse complement: MYBPC3 is on the minus strand). VCF-style (leftmost placement, unchanged base first): chr11-47337740-C-CA. GRCh37 (hg19) VCF-style: chr11-47359291-C-CA.
Other names: c.2362dupT (NM_000256.3); short protein forms C788fs.
Identifiers: ClinVar variation 3376568 (VCV003376568.1).